The following is an entry in ClinVar:

ClinVar aggregate classification (germline): Likely benign. Review status: criteria provided, multiple submitters, no conflicts (2 of 4 stars). 3 submissions from 3 submitters: Likely benign (3). Last evaluated 2026-01-19.

Conditions:
CNOT1-related disorder. Also called: CNOT1-related condition.

Allele frequency attached by ClinVar (database versions not stated): ESP Exome Variant Server 0.00015; 1000 Genomes Project 30x 0.00016; ExAC 0.00016; gnomAD 0.00019; TOPMed 0.00019; 1000 Genomes Project 0.00020.
gnomAD v4.1: 464 of 1,566,758 alleles (0.03%); highest among the groups gnomAD compares: Non-Finnish European, 0.039%; no homozygotes.

Submissions (3):

Labcorp Genetics (formerly Invitae), Labcorp
Classification: Likely benign. Last evaluated: 2026-01-19. Review status: criteria provided, single submitter. Criteria: Invitae Variant Classification Sherloc (09022015). Collection method: clinical testing. Allele origin: germline.

PreventionGenetics, part of Exact Sciences
Classification: Likely benign for CNOT1-related condition. Last evaluated: 2025-10-31. Review status: criteria provided, single submitter. Criteria: ACMG Guidelines, 2015. Collection method: clinical testing. Allele origin: germline.
Comment: This variant is classified as likely benign based on ACMG/AMP sequence variant interpretation guidelines (Richards et al. 2015 PMID: 25741868, with internal and published modifications).

CeGaT Center for Human Genetics Tuebingen
Classification: Likely benign. Last evaluated: 2025-01-01. Review status: criteria provided, single submitter. Criteria: CeGaT Center For Human Genetics Tuebingen Variant Classification Criteria Version 2. Collection method: clinical testing. Allele origin: germline. Affected: yes. Observed: 2 variant alleles.
Comment: CNOT1: BP4, BS2

NM_016284.5(CNOT1):c.6917+7G>A

Genes: CNOT1 (CCR4-NOT transcription complex subunit 1; minus strand), SETD6 (SET domain containing 6, protein lysine methyltransferase; plus strand). Cytogenetic location: 16q21.
Variant type: single nucleotide variant.
Coding change: c.6917+7G>A on transcript NM_016284.5 (MANE Select); 7 bases into the intron after coding-DNA position 6917, G replaced by A.
Molecular consequence: intron variant. On other transcripts: 3 prime UTR variant (1).
Genome position (GRCh38, 1-based): chr16:58,523,363, C>T on the plus strand (G>A on the coding strand, the complement: CNOT1 is on the minus strand). VCF-style: chr16-58523363-C-T. GRCh37 (hg19) VCF-style: chr16-58557267-C-T.
Other names: c.*4334C>T (NM_001160305.4); c.6902+7G>A (NM_001265612.2); c.6917+7G>A (NM_016284.4).
Identifiers: ClinVar variation 2070562 (VCV002070562.18), dbSNP rs200707564, ClinGen allele CA8088587.
Genomic context (GRCh38, chr16:58,523,363, plus strand): 5'-AGGAAAAAAAAAAGATGAAAGGGAGGAGATCCTTTTGAAGCATTTAAAAAATAAGCTGCT[C>T]GCTTACCTTGTGATCTGTTCTTGGATGGCTTCCGTATTGGCCTCTGCAAAAAGGTACAGC-3'